The following is an entry in ClinVar:

NM_030665.4(RAI1):c.1762G>T (p.Val588Leu)

Gene: RAI1 (retinoic acid induced 1; plus strand). Cytogenetic location: 17p11.2.
Variant type: single nucleotide variant.
Coding change: c.1762G>T on transcript NM_030665.4 (MANE Select); coding-DNA position 1762, G replaced by T.
Protein change: p.Val588Leu; replaces valine 588 with leucine.
Molecular consequence: missense variant.
Genome position (GRCh38, 1-based): chr17:17,794,710, G>T. VCF-style: chr17-17794710-G-T. GRCh37 (hg19) VCF-style: chr17-17698024-G-T.
Other names: short protein forms V588L.
Identifiers: ClinVar variation 1314696 (VCV001314696.2), dbSNP rs546791674, ClinGen allele CA398549147.

ClinVar aggregate classification (germline): Uncertain significance (1 of 4 stars; one submission).

Submission:

GeneDx
Classification: Uncertain significance. Last evaluated: 2021-04-21. Review status: criteria provided, single submitter. Criteria: GeneDx Variant Classification Process June 2021. Collection method: clinical testing. Allele origin: germline. Affected: yes.
Comment: Not observed in large population cohorts (Lek et al., 2016); In silico analysis supports that this missense variant does not alter protein structure/function; Has not been previously published as pathogenic or benign to our knowledge